The following is an entry in ClinVar:

NM_001244926.2(PRPF4):c.206-3T>C

Gene: PRPF4 (pre-mRNA splicing tri-snRNP complex factor PRPF4; plus strand). Cytogenetic location: 9q32.
Variant type: single nucleotide variant.
Coding change: c.206-3T>C on transcript NM_001244926.2 (MANE Select); 3 bases into the intron before coding-DNA position 206, T replaced by C.
Molecular consequence: intron variant.
Genome position (GRCh38, 1-based): chr9:113,278,942, T>C. VCF-style: chr9-113278942-T-C. GRCh37 (hg19) VCF-style: chr9-116041222-T-C.
Other names: c.-560-3T>C (NM_001322267.2, NM_001322266.2); c.209-3T>C (NM_004697.5).
Identifiers: ClinVar variation 1901535 (VCV001901535.5), dbSNP rs1227817374, ClinGen allele CA590108915.

ClinVar aggregate classification (germline): Uncertain significance (1 of 4 stars; one submission).

Allele frequency attached by ClinVar (database versions not stated): gnomAD exomes 0.00001; TOPMed 0.00001.
gnomAD v4.1: 10 of 1,613,812 alleles (0.00062%); highest among the groups gnomAD compares: Admixed American, 0.0067%; no homozygotes.

Submission:

Labcorp Genetics (formerly Invitae), Labcorp
Classification: Uncertain significance. Last evaluated: 2023-11-16. Review status: criteria provided, single submitter. Criteria: Invitae Variant Classification Sherloc (09022015). Collection method: clinical testing. Allele origin: germline.
Comment: This sequence change falls in intron 2 of the PRPF4 gene. It does not directly change the encoded amino acid sequence of the PRPF4 protein. It affects a nucleotide within the consensus splice site. This variant is present in population databases (no rsID available, gnomAD 0.006%). This variant has not been reported in the literature in individuals affected with PRPF4-related conditions. ClinVar contains an entry for this variant (Variation ID: 1901535). Variants that disrupt the consensus splice site are a relatively common cause of aberrant splicing (PMID: 17576681, 9536098). Algorithms developed to predict the effect of sequence changes on RNA splicing suggest that this variant is not likely to affect RNA splicing. In summary, the available evidence is currently insufficient to determine the role of this variant in disease. Therefore, it has been classified as a Variant of Uncertain Significance.

Literature cited by the submitters: PubMed 17576681; PubMed 9536098.